The following is an entry in ClinVar:

ClinVar aggregate classification (germline): Uncertain significance (1 of 4 stars; one submission).

Allele frequency attached by ClinVar (database versions not stated): gnomAD 0.00001; TOPMed 0.00002.
gnomAD v4.1: 2 of 1,614,036 alleles (0.00012%); highest among the groups gnomAD compares: Admixed American, 0.0017%; no homozygotes.

Submission:

Labcorp Genetics (formerly Invitae), Labcorp
Classification: Uncertain significance. Last evaluated: 2022-01-01. Review status: criteria provided, single submitter. Criteria: Invitae Variant Classification Sherloc (09022015). Collection method: clinical testing. Allele origin: germline.
Comment: This sequence change replaces phenylalanine, which is neutral and non-polar, with leucine, which is neutral and non-polar, at codon 282 of the CNNM4 protein (p.Phe282Leu). This variant is present in population databases (no rsID available, gnomAD 0.01%). This variant has not been reported in the literature in individuals affected with CNNM4-related conditions. Algorithms developed to predict the effect of missense changes on protein structure and function (SIFT, PolyPhen-2, Align-GVGD) all suggest that this variant is likely to be tolerated. In summary, the available evidence is currently insufficient to determine the role of this variant in disease. Therefore, it has been classified as a Variant of Uncertain Significance.

NM_020184.4(CNNM4):c.846T>G (p.Phe282Leu)

Gene: CNNM4 (cyclin and CBS domain divalent metal cation transport mediator 4; plus strand). Cytogenetic location: 2q11.2.
Variant type: single nucleotide variant.
Coding change: c.846T>G on transcript NM_020184.4 (MANE Select); coding-DNA position 846, T replaced by G.
Protein change: p.Phe282Leu; replaces phenylalanine 282 with leucine.
Molecular consequence: missense variant.
Genome position (GRCh38, 1-based): chr2:96,761,845, T>G. VCF-style: chr2-96761845-T-G. GRCh37 (hg19) VCF-style: chr2-97427582-T-G.
Other names: short protein forms F282L.
Identifiers: ClinVar variation 2068164 (VCV002068164.1), dbSNP rs903670676, ClinGen allele CA347715234.